The following is an entry in ClinVar:

NM_000372.5(TYR):c.797C>G (p.Ala266Gly)

Gene: TYR (tyrosinase; plus strand). Cytogenetic location: 11q14.3.
Variant type: single nucleotide variant.
Coding change: c.797C>G on transcript NM_000372.5 (MANE Select); coding-DNA position 797, C replaced by G.
Protein change: p.Ala266Gly; replaces alanine 266 with glycine.
Molecular consequence: missense variant.
Genome position (GRCh38, 1-based): chr11:89,178,750, C>G. VCF-style: chr11-89178750-C-G. GRCh37 (hg19) VCF-style: chr11-88911918-C-G.
Other names: short protein forms A266G.
Identifiers: ClinVar variation 4536073 (VCV004536073.1).

ClinVar aggregate classification (germline): Uncertain significance (1 of 4 stars; one submission).

Submission:

Women's Health and Genetics/Laboratory Corporation of America, LabCorp
Classification: Uncertain significance. Last evaluated: 2025-09-22. Review status: criteria provided, single submitter. Criteria: LabCorp Variant Classification Summary - May 2015. Collection method: clinical testing. Allele origin: germline.
Comment: Variant summary: TYR c.797C>G (p.Ala266Gly) results in a non-conservative amino acid change in the encoded protein sequence. Algorithms developed to predict the effect of missense changes on protein structure and function all suggest that this variant is likely to be disruptive. The variant was absent in 250214 control chromosomes. The available data on variant occurrences in the general population are insufficient to allow any conclusion about variant significance. To our knowledge, no occurrence of c.797C>G in individuals affected with TYR-related conditions and no experimental evidence demonstrating its impact on protein function have been reported. No submitters have cited clinical-significance assessments for this variant to ClinVar. Based on the evidence outlined above, the variant was classified as uncertain significance.